The following is an entry in ClinVar:

NM_020975.6(RET):c.1732A>G (p.Ile578Val)

Gene: RET (ret proto-oncogene; plus strand). Cytogenetic location: 10q11.21.
Variant type: single nucleotide variant.
Coding change: c.1732A>G on transcript NM_020975.6 (MANE Select); coding-DNA position 1732, A replaced by G.
Protein change: p.Ile578Val; replaces isoleucine 578 with valine.
Molecular consequence: missense variant.
Genome position (GRCh38, 1-based): chr10:43,112,936, A>G. VCF-style: chr10-43112936-A-G. GRCh37 (hg19) VCF-style: chr10-43608384-A-G.
Other names: c.1732A>G, p.Ile578Val (NM_000323.2, NM_001406743.1, NM_001406744.1 and 6 more transcripts); c.970A>G, p.Ile324Val (NM_001355216.2); c.1603A>G, p.Ile535Val (NM_001406761.1, NM_001406762.1, NM_001406764.1 and 1 more transcripts); c.1444A>G, p.Ile482Val (NM_001406766.1, NM_001406767.1, NM_001406770.1); c.1336A>G, p.Ile446Val (NM_001406769.1, NM_001406772.1); c.1294A>G, p.Ile432Val (NM_001406771.1, NM_001406773.1); c.1207A>G, p.Ile403Val (NM_001406774.1); c.1006A>G, p.Ile336Val (NM_001406775.1, NM_001406776.1, NM_001406777.1 and 1 more transcripts); and 5 more; short protein forms I324V, I578V, I236V, I336V, I482V, I535V, I183V, I403V.
Identifiers: ClinVar variation 1369726 (VCV001369726.9), dbSNP rs1837975551, ClinGen allele CA376552100.

ClinVar aggregate classification (germline): Uncertain significance. Review status: criteria provided, multiple submitters, no conflicts (2 of 4 stars). 2 submissions from 2 submitters: Uncertain significance (2). Last evaluated 2024-09-08.

Conditions:
Hereditary cancer-predisposing syndrome. Also called: Neoplastic Syndromes, Hereditary; Tumor predisposition; Hereditary neoplastic syndrome; Hereditary Cancer Syndrome. Identifiers: Orphanet 140162, MedGen C0027672, MeSH D009386, MONDO:0015356.
Multiple endocrine neoplasia, type 2 (MEN2). Identifiers: Orphanet 653, MedGen C4048306, MONDO:0019003. Disease mechanism: gain of function.

Allele frequency attached by ClinVar (database versions not stated): gnomAD exomes below 0.00001.
gnomAD v4.1: 1 of 1,614,144 alleles (0.000062%); highest among the groups gnomAD compares: African/African-American, 0.0013%; no homozygotes.

Submissions (2):

Labcorp Genetics (formerly Invitae), Labcorp
Classification: Uncertain significance for Multiple endocrine neoplasia, type 2. Last evaluated: 2024-09-08. Review status: criteria provided, single submitter. Criteria: Invitae Variant Classification Sherloc (09022015). Collection method: clinical testing. Allele origin: germline.
Comment: This sequence change replaces isoleucine, which is neutral and non-polar, with valine, which is neutral and non-polar, at codon 578 of the RET protein (p.Ile578Val). This variant is not present in population databases (gnomAD no frequency). This variant has not been reported in the literature in individuals affected with RET-related conditions. ClinVar contains an entry for this variant (Variation ID: 1369726). An algorithm developed to predict the effect of missense changes on protein structure and function outputs the following: PolyPhen-2: "Benign". The valine amino acid residue is found in multiple mammalian species, which suggests that this missense change does not adversely affect protein function. In summary, the available evidence is currently insufficient to determine the role of this variant in disease. Therefore, it has been classified as a Variant of Uncertain Significance.

Ambry Genetics
Classification: Uncertain significance for Hereditary cancer-predisposing syndrome. Last evaluated: 2024-02-22. Review status: criteria provided, single submitter. Criteria: Ambry Variant Classification Scheme 2023. Collection method: clinical testing. Allele origin: germline.
Comment: The p.I578V variant (also known as c.1732A>G), located in coding exon 9 of the RET gene, results from an A to G substitution at nucleotide position 1732. The isoleucine at codon 578 is replaced by valine, an amino acid with highly similar properties. This amino acid position is conserved. In addition, this alteration is predicted to be tolerated by in silico analysis. Based on the available evidence, the clinical significance of this alteration remains unclear.